The following is an entry in ClinVar:

ClinVar aggregate classification (germline): Likely pathogenic (1 of 4 stars; one submission).

Conditions:
von Willebrand disease type 1 (VWD1). Also called: VON WILLEBRAND DISEASE, TYPE I; VWD, TYPE 1. Identifiers: Orphanet 166078, Orphanet 903, MedGen C1264039, MONDO:0008668, OMIM 193400. Inheritance: autosomal recessive or autosomal dominant.

Submission:

ISTH-SSC Genomics in Thrombosis and Hemostasis, KU Leuven, Center for Molecular and Vascular Biology
Classification: Likely pathogenic for von Willebrand disease type 1. Review status: criteria provided, single submitter. Criteria: ACMG Guidelines, 2015. Collection method: clinical testing. Allele origin: unknown. Affected: yes.
Comment: Submitter to GoldVariant: Kathleen Freson, Center for Molecular and Vascular Biology, Leuven, Belgium

Literature cited by the submitters: PubMed 34355501.

NC_000002.12:g.5853982_6200592del

Genes: MIR7158 (microRNA 7158; plus strand), SILC1 (sciatic injury induced lincRNA upregulator of SOX11; plus strand), LOC126806115 (CDK7 strongly-dependent group 2 enhancer GRCh37_chr2:6135557-6136756; plus strand), LOC126806116 (CDK7 strongly-dependent group 2 enhancer GRCh37_chr2:6232422-6233621; plus strand), LOC400940 (uncharacterized LOC400940; plus strand). Cytogenetic location: 2p25.2.
Variant type: Deletion.
Identifiers: ClinVar variation 1703260 (VCV001703260.1).